The following is an entry in ClinVar:

NM_032383.5(HPS3):c.547A>G (p.Ile183Val)

Gene: HPS3 (HPS3 biogenesis of lysosomal organelles complex 2 subunit 1; plus strand). Cytogenetic location: 3q24.
Variant type: single nucleotide variant.
Coding change: c.547A>G on transcript NM_032383.5 (MANE Select); coding-DNA position 547, A replaced by G.
Protein change: p.Ile183Val; replaces isoleucine 183 with valine.
Molecular consequence: missense variant. On other transcripts: intron variant (1).
Genome position (GRCh38, 1-based): chr3:149,140,333, A>G. VCF-style: chr3-149140333-A-G. GRCh37 (hg19) VCF-style: chr3-148858120-A-G.
Other names: c.218-684A>G (NM_001308258.2); short protein forms I183V.
Identifiers: ClinVar variation 3896559 (VCV003896559.2).

ClinVar aggregate classification (germline): Uncertain significance (1 of 4 stars; one submission).

gnomAD v4.1: 19 of 1,613,528 alleles (0.0012%); highest among the groups gnomAD compares: Non-Finnish European, 0.0016%; no homozygotes.

Submission:

Women's Health and Genetics/Laboratory Corporation of America, LabCorp
Classification: Uncertain significance. Last evaluated: 2025-04-02. Review status: criteria provided, single submitter. Criteria: LabCorp Variant Classification Summary - May 2015. Collection method: clinical testing. Allele origin: germline.
Comment: Variant summary: HPS3 c.547A>G (p.Ile183Val) results in a conservative amino acid change in the encoded protein sequence. Four of five in-silico tools predict a benign effect of the variant on protein function. The variant was absent in 251046 control chromosomes. The available data on variant occurrences in the general population are insufficient to allow any conclusion about variant significance. To our knowledge, no occurrence of c.547A>G in individuals affected with Hermansky-Pudlak Syndrome and no experimental evidence demonstrating its impact on protein function have been reported. No submitters have cited clinical-significance assessments for this variant to ClinVar. Based on the evidence outlined above, the variant was classified as uncertain significance.